The following is an entry in ClinVar:

NM_000391.4(TPP1):c.509T>C (p.Val170Ala)

Gene: TPP1 (tripeptidyl peptidase 1; minus strand). Cytogenetic location: 11p15.4.
Variant type: single nucleotide variant.
Coding change: c.509T>C on transcript NM_000391.4 (MANE Select); coding-DNA position 509, T replaced by C.
Protein change: p.Val170Ala; replaces valine 170 with alanine.
Molecular consequence: missense variant.
Genome position (GRCh38, 1-based): chr11:6,617,153, A>G on the plus strand (T>C on the coding strand, the complement: TPP1 is on the minus strand). VCF-style: chr11-6617153-A-G. GRCh37 (hg19) VCF-style: chr11-6638384-A-G.
Other names: short protein forms V170A.
Identifiers: ClinVar variation 1379986 (VCV001379986.5), dbSNP rs910982505, ClinGen allele CA217323579.

ClinVar aggregate classification (germline): Uncertain significance (1 of 4 stars; one submission).

Allele frequency attached by ClinVar (database versions not stated): gnomAD exomes below 0.00001; gnomAD 0.00001; TOPMed 0.00002.
gnomAD v4.1: 8 of 1,613,900 alleles (0.0005%); highest among the groups gnomAD compares: Non-Finnish European, 0.00068%; no homozygotes.

Submission:

Labcorp Genetics (formerly Invitae), Labcorp
Classification: Uncertain significance. Last evaluated: 2021-08-27. Review status: criteria provided, single submitter. Criteria: Invitae Variant Classification Sherloc (09022015). Collection method: clinical testing. Allele origin: germline.
Comment: This sequence change replaces valine with alanine at codon 170 of the TPP1 protein (p.Val170Ala). The valine residue is highly conserved and there is a small physicochemical difference between valine and alanine. This variant is not present in population databases (ExAC no frequency). This variant has not been reported in the literature in individuals affected with TPP1-related conditions. Algorithms developed to predict the effect of missense changes on protein structure and function are either unavailable or do not agree on the potential impact of this missense change (SIFT: "Deleterious"; PolyPhen-2: "Probably Damaging"; Align-GVGD: "Class C0"). In summary, the available evidence is currently insufficient to determine the role of this variant in disease. Therefore, it has been classified as a Variant of Uncertain Significance.